The following is an entry in ClinVar:

ClinVar aggregate classification (germline): Likely pathogenic (1 of 4 stars; one submission).

Conditions:
Autosomal recessive limb-girdle muscular dystrophy type 2O. Also called: MUSCULAR DYSTROPHY-DYSTROGLYCANOPATHY (LIMB-GIRDLE), TYPE C, 3; Limb-Girdle Muscular Dystrophy Type 3C; MUSCULAR DYSTROPHY-DYSTROGLYCANOPATHY, LIMB-GIRDLE, POMGNT1-RELATED. Identifiers: Orphanet 206564, MedGen C3150417, MONDO:0013161, OMIM 613157.
Muscular dystrophy-dystroglycanopathy (congenital with impaired intellectual development), type B, 3. Also called: Muscular dystrophy-dystroglycanopathy (congenital with intellectual disability), type B3; MUSCULAR DYSTROPHY, CONGENITAL, POMGNT1-RELATED. Identifiers: MedGen C3150412, MONDO:0013155, OMIM 613151.

Submission:

Labcorp Genetics (formerly Invitae), Labcorp
Classification: Likely pathogenic for Autosomal recessive limb-girdle muscular dystrophy type 2O; Muscular dystrophy-dystroglycanopathy (congenital with impaired intellectual development), type B, 3. Last evaluated: 2020-07-13. Review status: criteria provided, single submitter. Criteria: Invitae Variant Classification Sherloc (09022015). Collection method: clinical testing. Allele origin: germline.
Comment: Donor and acceptor splice site variants typically lead to a loss of protein function (PMID: 16199547), and loss-of-function variants in POMGNT1 are known to be pathogenic (PMID: 19299310, 20816175, 21447391, 26908613, 27391550). In summary, the currently available evidence indicates that the variant is pathogenic, but additional data are needed to prove that conclusively. Therefore, this variant has been classified as Likely Pathogenic. Algorithms developed to predict the effect of sequence changes on RNA splicing suggest that this variant may disrupt the consensus splice site, but this prediction has not been confirmed by published transcriptional studies. This variant has not been reported in the literature in individuals with POMGNT1-related conditions. This variant is not present in population databases (ExAC no frequency). This sequence change affects an acceptor splice site in intron 18 of the POMGNT1 gene. It is expected to disrupt RNA splicing and likely results in an absent or disrupted protein product.

Literature cited by the submitters: PubMed 16199547; PubMed 19299310; PubMed 20816175; PubMed 21447391; PubMed 26908613; PubMed 27391550.

NM_017739.4(POMGNT1):c.1605-2A>T

Genes: POMGNT1 (protein O-linked mannose N-acetylglucosaminyltransferase 1 (beta 1,2-); minus strand), TSPAN1 (tetraspanin 1; plus strand). Cytogenetic location: 1p34.1.
Variant type: single nucleotide variant.
Coding change: c.1605-2A>T on transcript NM_017739.4 (MANE Select); the canonical splice acceptor site of the intron before coding-DNA position 1605, A replaced by T.
Molecular consequence: splice acceptor variant.
Genome position (GRCh38, 1-based): chr1:46,190,519, T>A on the plus strand (A>T on the coding strand, the complement: POMGNT1 is on the minus strand). VCF-style: chr1-46190519-T-A. GRCh37 (hg19) VCF-style: chr1-46656191-T-A.
Other names: c.1605-2A>T (NM_001243766.2, NM_001438686.1, NM_001438688.1 and 3 more transcripts); c.1539-2A>T (NM_001290129.3, NM_001438691.1, NM_001438692.1); c.1176-2A>T (NM_001290130.2).
Identifiers: ClinVar variation 1067637 (VCV001067637.7), dbSNP rs2148172518, ClinGen allele CA340171853.